The following is an entry in ClinVar:

NM_001330260.2(SCN8A):c.3475G>A (p.Ala1159Thr)

Gene: SCN8A (sodium voltage-gated channel alpha subunit 8; plus strand). Cytogenetic location: 12q13.13.
Variant type: single nucleotide variant.
Coding change: c.3475G>A on transcript NM_001330260.2 (MANE Select); coding-DNA position 3475, G replaced by A.
Protein change: p.Ala1159Thr; replaces alanine 1159 with threonine.
Molecular consequence: missense variant.
Genome position (GRCh38, 1-based): chr12:51,769,970, G>A. VCF-style: chr12-51769970-G-A. GRCh37 (hg19) VCF-style: chr12-52163754-G-A.
Other names: c.3475G>A, p.Ala1159Thr (NM_001177984.3, NM_001369788.1, NM_014191.4); short protein forms A1159T.
Identifiers: ClinVar variation 1426899 (VCV001426899.7), dbSNP rs2138870403, ClinGen allele CA384895668.

ClinVar aggregate classification (germline): Uncertain significance (1 of 4 stars; one submission).

Conditions:
Early-infantile DEE. Also called: Early infantile epileptic encephalopathy; Ohtahara syndrome; Early infantile epileptic encephalopathy with suppression bursts. Identifiers: Orphanet 1934, MedGen C0393706, MONDO:0800491.

Submission:

Labcorp Genetics (formerly Invitae), Labcorp
Classification: Uncertain significance for Early-infantile DEE. Last evaluated: 2024-05-15. Review status: criteria provided, single submitter. Criteria: Invitae Variant Classification Sherloc (09022015). Collection method: clinical testing. Allele origin: germline.
Comment: This sequence change replaces alanine, which is neutral and non-polar, with threonine, which is neutral and polar, at codon 1159 of the SCN8A protein (p.Ala1159Thr). This variant is not present in population databases (gnomAD no frequency). This variant has not been reported in the literature in individuals affected with SCN8A-related conditions. ClinVar contains an entry for this variant (Variation ID: 1426899). Advanced modeling of protein sequence and biophysical properties (such as structural, functional, and spatial information, amino acid conservation, physicochemical variation, residue mobility, and thermodynamic stability) performed at Invitae indicates that this missense variant is not expected to disrupt SCN8A protein function with a negative predictive value of 95%. In summary, the available evidence is currently insufficient to determine the role of this variant in disease. Therefore, it has been classified as a Variant of Uncertain Significance.